The following is an entry in ClinVar:

NM_001145358.2(SIN3A):c.3062C>G (p.Thr1021Ser)

Gene: SIN3A (SIN3 transcription regulator family member A; minus strand). Cytogenetic location: 15q24.2.
Variant type: single nucleotide variant.
Coding change: c.3062C>G on transcript NM_001145358.2 (MANE Select); coding-DNA position 3062, C replaced by G.
Protein change: p.Thr1021Ser; replaces threonine 1021 with serine.
Molecular consequence: missense variant.
Genome position (GRCh38, 1-based): chr15:75,384,397, G>C on the plus strand (C>G on the coding strand, the complement: SIN3A is on the minus strand). VCF-style: chr15-75384397-G-C. GRCh37 (hg19) VCF-style: chr15-75676738-G-C.
Other names: c.3062C>G, p.Thr1021Ser (NM_001145357.2, NM_015477.3); short protein forms T1021S.
Identifiers: ClinVar variation 2662163 (VCV002662163.1), dbSNP rs2073041626, ClinGen allele CA393487969.
Genomic context (GRCh38, chr15:75,384,397, plus strand): 5'-TTCTGTGTGTTCAGCTGGCCTCCGGTGGCCCCATTATTATTTTCTGCCAGGTAAAGGTCA[G>C]TCACCTGCACACAGATCTCATCACTCACGATATGCTGCAGCTGGAAGCAAACAAAGGCAA-3'
Protein context (NP_001138830.1, residues 1011-1031): IVSDEICVQV[Thr1021Ser]DLYLAENNNG

ClinVar aggregate classification (germline): Uncertain significance (1 of 4 stars; one submission).

Allele frequency attached by ClinVar (database versions not stated): TOPMed below 0.00001.

Submission:

GeneDx
Classification: Uncertain significance. Last evaluated: 2023-04-17. Review status: criteria provided, single submitter. Criteria: GeneDx Variant Classification Process June 2021. Collection method: clinical testing. Allele origin: germline. Affected: yes.
Comment: Not observed at significant frequency in large population cohorts (gnomAD); In silico analysis supports that this missense variant has a deleterious effect on splicing; In silico analysis supports that this missense variant does not alter protein structure/function; Has not been previously published as pathogenic or benign to our knowledge